The following is an entry in ClinVar:

ClinVar aggregate classification (germline): Uncertain significance. Review status: criteria provided, multiple submitters, no conflicts (2 of 4 stars). 2 submissions from 2 submitters: Uncertain significance (2). Last evaluated 2024-11-15.

Conditions:
Ataxia-telangiectasia-like disorder (ATLD). Identifiers: MedGen C1858391, MONDO:0011457.
Hereditary cancer-predisposing syndrome. Also called: Neoplastic Syndromes, Hereditary; Tumor predisposition; Hereditary Cancer Syndrome; Hereditary neoplastic syndrome. Identifiers: Orphanet 140162, MedGen C0027672, MeSH D009386, MONDO:0015356.

Allele frequency attached by ClinVar (database versions not stated): gnomAD 0.00001.
gnomAD v4.1: 1 of 1,613,910 alleles (0.000062%); highest among the groups gnomAD compares: Non-Finnish European, 0.000085%; no homozygotes.

Submissions (2):

Ambry Genetics
Classification: Uncertain significance for Hereditary cancer-predisposing syndrome. Last evaluated: 2024-11-15. Review status: criteria provided, single submitter. Criteria: Ambry Variant Classification Scheme 2023. Collection method: clinical testing. Allele origin: germline.

Labcorp Genetics (formerly Invitae), Labcorp
Classification: Uncertain significance for Ataxia-telangiectasia-like disorder. Last evaluated: 2021-03-10. Review status: criteria provided, single submitter. Criteria: Invitae Variant Classification Sherloc (09022015). Collection method: clinical testing. Allele origin: germline.
Comment: This sequence change replaces glycine with cysteine at codon 578 of the MRE11A protein (p.Gly578Cys). The glycine residue is highly conserved and there is a large physicochemical difference between glycine and cysteine. This variant is not present in population databases (ExAC no frequency) and has not been reported in the literature in individuals with a MRE11A-related disease. Algorithms developed to predict the effect of missense changes on protein structure and function do not agree on the potential impact of this missense change (SIFT: "Deleterious"; PolyPhen-2: "Benign"; Align-GVGD: "Class C0"). In summary, this variant is a novel missense change with uncertain impact on protein function. It has been classified as a Variant of Uncertain Significance.

NM_005591.4(MRE11):c.1732G>T (p.Gly578Cys)

Gene: MRE11 (MRE11 double strand break repair nuclease; minus strand). Cytogenetic location: 11q21.
Variant type: single nucleotide variant.
Coding change: c.1732G>T on transcript NM_005591.4 (MANE Select); coding-DNA position 1732, G replaced by T.
Protein change: p.Gly578Cys; replaces glycine 578 with cysteine.
Molecular consequence: missense variant.
Genome position (GRCh38, 1-based): chr11:94,447,270, C>A on the plus strand (G>T on the coding strand, the complement: MRE11 is on the minus strand). VCF-style: chr11-94447270-C-A. GRCh37 (hg19) VCF-style: chr11-94180436-C-A.
Other names: c.1732G>T, p.Gly578Cys (NM_001330347.2, NM_005590.4); short protein forms G578C.
Identifiers: ClinVar variation 466433 (VCV000466433.13), dbSNP rs547793891, ClinGen allele CA382368204.